The following is an entry in ClinVar:

NM_033116.6(NEK9):c.2608C>A (p.Pro870Thr)

Gene: NEK9 (NIMA related kinase 9; minus strand). Cytogenetic location: 14q24.3.
Variant type: single nucleotide variant.
Coding change: c.2608C>A on transcript NM_033116.6 (MANE Select); coding-DNA position 2608, C replaced by A.
Protein change: p.Pro870Thr; replaces proline 870 with threonine.
Molecular consequence: missense variant.
Genome position (GRCh38, 1-based): chr14:75,087,227, G>T on the plus strand (C>A on the coding strand, the complement: NEK9 is on the minus strand). VCF-style: chr14-75087227-G-T. GRCh37 (hg19) VCF-style: chr14-75553930-G-T.
Other names: c.2644C>A, p.Pro882Thr (NM_001329237.2); c.2254C>A, p.Pro752Thr (NM_001329238.2); short protein forms P882T, P870T, P752T.
Identifiers: ClinVar variation 2515919 (VCV002515919.3), dbSNP rs774587035, ClinGen allele CA7276613.

ClinVar aggregate classification (germline): Conflicting classifications of pathogenicity. Review status: criteria provided, conflicting classifications (1 of 4 stars). 2 submissions from 2 submitters: Uncertain significance (1); Likely benign (1). Last evaluated 2026-07-01.

Conditions:
Inborn genetic diseases. Identifiers: MedGen C0950123, MeSH D030342.

Allele frequency attached by ClinVar (database versions not stated): ExAC 0.00001; gnomAD 0.00002; TOPMed 0.00002.
gnomAD v4.1: 10 of 1,604,372 alleles (0.00062%); highest among the groups gnomAD compares: Non-Finnish European, 0.00085%; no homozygotes.

Submissions (2):

CeGaT Center for Human Genetics Tuebingen
Classification: Likely benign. Last evaluated: 2026-07-01. Review status: criteria provided, single submitter. Criteria: CeGaT Center For Human Genetics Tuebingen Variant Classification Criteria Version 2. Collection method: clinical testing. Allele origin: germline. Affected: yes. Observed: 1 variant allele.
Comment: NEK9: BP4

Ambry Genetics
Classification: Uncertain significance for Inborn genetic diseases. Last evaluated: 2023-03-28. Review status: criteria provided, single submitter. Criteria: Ambry Variant Classification Scheme 2023. Collection method: clinical testing. Allele origin: germline.